The following is an entry in ClinVar:

NM_001257096.2(PAX1):c.*180C>G

Gene: PAX1 (paired box 1; plus strand). Cytogenetic location: 20p11.22.
Variant type: single nucleotide variant.
Coding change: c.*180C>G on transcript NM_001257096.2 (MANE Select); 180 bases downstream of the stop codon, C replaced by G.
Molecular consequence: 3 prime UTR variant. On other transcripts: missense variant (1).
Genome position (GRCh38, 1-based): chr20:21,714,742, C>G. VCF-style: chr20-21714742-C-G. GRCh37 (hg19) VCF-style: chr20-21695380-C-G.
Other names: c.1544C>G, p.Pro515Arg (NM_006192.5); c.1544C>G (NM_006192.3); short protein forms P515R.
Identifiers: ClinVar variation 1345637 (VCV001345637.6), dbSNP rs200033268, ClinGen allele CA9786824.
Genomic context (GRCh38, chr20:21,714,742, plus strand): 5'-CCAGTGCCGGCCCGCGGGGTGCACGCCCAGCCAGCCCCCAGGCCCAGCCCTGCCTCTGGC[C>G]GGACCCACCACACTTCCTTTATTGGTCTGGGTTTTTAGGCTTCTCTGAACTTGGGTTTTA-3'

ClinVar aggregate classification (germline): Uncertain significance. Review status: criteria provided, multiple submitters, no conflicts (2 of 4 stars). 2 submissions from 2 submitters: Uncertain significance (2). Last evaluated 2025-09-02.

Conditions:
Inborn genetic diseases. Identifiers: MedGen C0950123, MeSH D030342.

Allele frequency attached by ClinVar (database versions not stated): gnomAD exomes 0.00003 and 0.00007; ExAC 0.00009; gnomAD 0.00011 and 0.00016; TOPMed 0.00021; 1000 Genomes Project 0.00100; 1000 Genomes Project 30x 0.00109.
gnomAD v4.1: 63 of 1,603,838 alleles (0.0039%); highest among the groups gnomAD compares: Admixed American, 0.042%; no homozygotes.

Submissions (2):

Labcorp Genetics (formerly Invitae), Labcorp
Classification: Uncertain significance. Last evaluated: 2025-09-02. Review status: criteria provided, single submitter. Criteria: Invitae Variant Classification Sherloc (09022015). Collection method: clinical testing. Allele origin: germline.
Comment: This sequence change replaces proline, which is neutral and non-polar, with arginine, which is basic and polar, at codon 515 of the PAX1 protein (p.Pro515Arg). This variant is present in population databases (rs200033268, gnomAD 0.05%). This variant has not been reported in the literature in individuals affected with PAX1-related conditions. ClinVar contains an entry for this variant (Variation ID: 1345637). An algorithm developed to predict the effect of missense changes on protein structure and function outputs the following: PolyPhen-2: "Benign". The arginine amino acid residue is found in multiple mammalian species, which suggests that this missense change does not adversely affect protein function. In summary, the available evidence is currently insufficient to determine the role of this variant in disease. Therefore, it has been classified as a Variant of Uncertain Significance.

Ambry Genetics
Classification: Uncertain significance for Inborn genetic diseases. Last evaluated: 2025-08-02. Review status: criteria provided, single submitter. Criteria: Ambry Variant Classification Scheme 2023. Collection method: clinical testing. Allele origin: germline.